The following is an entry in ClinVar:

NM_033022.4(RPS24):c.271C>G (p.Leu91Val)

Gene: RPS24 (ribosomal protein S24; plus strand). Cytogenetic location: 10q22.3.
Variant type: single nucleotide variant.
Coding change: c.271C>G on transcript NM_033022.4 (MANE Select); coding-DNA position 271, C replaced by G.
Protein change: p.Leu91Val; replaces leucine 91 with valine.
Molecular consequence: missense variant.
Genome position (GRCh38, 1-based): chr10:78,035,712, C>G. VCF-style: chr10-78035712-C-G. GRCh37 (hg19) VCF-style: chr10-79795470-C-G.
Other names: c.271C>G, p.Leu91Val (NM_001026.5, NM_001142282.2, NM_001142283.2 and 2 more transcripts); short protein forms L91V.
Identifiers: ClinVar variation 2880230 (VCV002880230.3), dbSNP rs2493281878, ClinGen allele CA377329466.
Genomic context (GRCh38, chr10:78,035,712, plus strand): 5'-GGCTTTGGCATGATTTATGATTCCCTGGATTATGCAAAGAAAAATGAACCCAAACATAGA[C>G]TTGCAAGAGTAGGTGTCTTTTCATTTGTTGATCAGCTCCTGAAGACCTATTTTTTCAATA-3'
Protein context (NP_148982.1, residues 81-101): YAKKNEPKHR[Leu91Val]ARHGLYEKKK

ClinVar aggregate classification (germline): Uncertain significance (1 of 4 stars; one submission).

Conditions:
Diamond-Blackfan anemia. Also called: Blackfan Diamond syndrome; Aregenerative anemia chronic congenital; Red cell aplasia, pure hereditary; Congenital hypoplastic anemia; Aase syndrome. Identifiers: Orphanet 124, MedGen C1260899, MeSH D029503, MONDO:0015253, HP:0004810.

Submission:

Labcorp Genetics (formerly Invitae), Labcorp
Classification: Uncertain significance for Diamond-Blackfan anemia. Last evaluated: 2023-05-01. Review status: criteria provided, single submitter. Criteria: Invitae Variant Classification Sherloc (09022015). Collection method: clinical testing. Allele origin: germline.
Comment: This variant has not been reported in the literature in individuals affected with RPS24-related conditions. This sequence change replaces leucine, which is neutral and non-polar, with valine, which is neutral and non-polar, at codon 91 of the RPS24 protein (p.Leu91Val). This variant is not present in population databases (gnomAD no frequency). An algorithm developed to predict the effect of missense changes on protein structure and function (PolyPhen-2) suggests that this variant is likely to be disruptive. In summary, the available evidence is currently insufficient to determine the role of this variant in disease. Therefore, it has been classified as a Variant of Uncertain Significance.